The following is an entry in ClinVar:

ClinVar aggregate classification (germline): Conflicting classifications of pathogenicity. Review status: criteria provided, conflicting classifications (1 of 4 stars). 7 submissions from 7 submitters: Likely pathogenic (2); Uncertain significance (3). 2 of the submissions do not count toward it. Last evaluated 2025-12-17.

Conditions:
Usher syndrome type 1B (USH1B). Also called: Usher syndrome type IB. Identifiers: MedGen C1848638, MONDO:0700087.
Usher syndrome type 1 (USH1). Also called: RETINITIS PIGMENTOSA AND CONGENITAL DEAFNESS. Identifiers: Orphanet 231169, Orphanet 886, MedGen C1568247, MONDO:0010168, OMIM 276900.
Autosomal recessive nonsyndromic hearing loss 2. Also called: DEAFNESS, AUTOSOMAL RECESSIVE 2; NEUROSENSORY NONSYNDROMIC RECESSIVE DEAFNESS 2. Identifiers: Orphanet 90636, MedGen C1838701, MONDO:0010807, OMIM 600060.
Retinal dystrophy. Also called: Inherited retinal dystrophy. Identifiers: Orphanet 71862, MedGen C0854723, MeSH D058499, MONDO:0019118, HP:0000556.
Autosomal dominant nonsyndromic hearing loss 11. Identifiers: Orphanet 90635, MedGen C1832475, MONDO:0011032, OMIM 601317.

Allele frequency attached by ClinVar (database versions not stated): gnomAD exomes 0.00006 and 0.00014; TOPMed 0.00006; ESP Exome Variant Server 0.00008; gnomAD 0.00008 and 0.00009; 1000 Genomes Project 30x 0.00016; 1000 Genomes Project 0.00020; ExAC 0.00027.
gnomAD v4.1: 204 of 1,578,562 alleles (0.013%); highest among the groups gnomAD compares: Non-Finnish European, 0.017%; no homozygotes.

Submissions (7):

Labcorp Genetics (formerly Invitae), Labcorp
Classification: Uncertain significance. Last evaluated: 2025-12-17. Review status: criteria provided, single submitter. Criteria: Invitae Variant Classification Sherloc (09022015). Collection method: clinical testing. Allele origin: germline.
Comment: This sequence change replaces arginine, which is basic and polar, with histidine, which is basic and polar, at codon 1230 of the MYO7A protein (p.Arg1230His). The frequency data for this variant in the population databases is considered unreliable, as metrics indicate poor data quality at this position in the gnomAD database. This missense change has been observed in individual(s) with clinical features of autosomal recessive MYO7A-related conditions (PMID: 27068579; internal data). In at least one individual the data is consistent with being in trans (on the opposite chromosome) from a pathogenic variant. ClinVar contains an entry for this variant (Variation ID: 551875). Invitae Evidence Modeling of protein sequence and biophysical properties (such as structural, functional, and spatial information, amino acid conservation, physicochemical variation, residue mobility, and thermodynamic stability) indicates that this missense variant is not expected to disrupt MYO7A protein function with a negative predictive value of 95%. In summary, the available evidence is currently insufficient to determine the role of this variant in disease. Therefore, it has been classified as a Variant of Uncertain Significance.

Blueprint Genetics
Classification: Uncertain significance. Last evaluated: 2024-10-09. Review status: criteria provided, single submitter. Criteria: ACMG Guidelines, 2015. Collection method: clinical testing. Allele origin: germline.

CeGaT Center for Human Genetics Tuebingen
Classification: Likely pathogenic. Last evaluated: 2023-05-01. Review status: criteria provided, single submitter. Criteria: CeGaT Center For Human Genetics Tuebingen Variant Classification Criteria Version 2. Collection method: clinical testing. Allele origin: germline. Affected: yes. Observed: 2 variant alleles.
Comment: MYO7A: PM3:Strong, PM2, PP3

Fulgent Genetics
Classification: Uncertain significance for Usher syndrome type 1; Autosomal recessive nonsyndromic hearing loss 2; Autosomal dominant nonsyndromic hearing loss 11. Last evaluated: 2021-08-03. Review status: criteria provided, single submitter. Criteria: ACMG Guidelines, 2015. Collection method: clinical testing. Allele origin: unknown.

Institute of Human Genetics, Univ. Regensburg, Univ. Regensburg
Classification: Likely pathogenic for Retinal dystrophy. Last evaluated: 2018-01-01. Review status: criteria provided, single submitter. Criteria: ACMG Guidelines, 2015. Collection method: clinical testing. Allele origin: germline. Affected: yes.

Natera, Inc.
Classification: Uncertain significance for Usher syndrome type 1B. Last evaluated: 2020-02-27. Review status: no assertion criteria provided. Collection method: clinical testing. Allele origin: germline. Not counted in ClinVar's aggregate classification.

Counsyl
Classification: Uncertain significance for Usher syndrome type 1; Autosomal recessive nonsyndromic hearing loss 2. Last evaluated: 2017-05-16. Review status: no assertion criteria provided. Collection method: clinical testing. Allele origin: unknown. Not counted in ClinVar's aggregate classification.

Literature cited by the submitters: PubMed 27068579 (cited by 3 submitters).

NM_000260.4(MYO7A):c.3689G>A (p.Arg1230His)

Gene: MYO7A (myosin VIIA; plus strand). Cytogenetic location: 11q13.5.
Variant type: single nucleotide variant.
Coding change: c.3689G>A on transcript NM_000260.4 (MANE Select); coding-DNA position 3689, G replaced by A.
Protein change: p.Arg1230His; replaces arginine 1230 with histidine.
Molecular consequence: missense variant.
Genome position (GRCh38, 1-based): chr11:77,190,078, G>A. VCF-style: chr11-77190078-G-A. GRCh37 (hg19) VCF-style: chr11-76901123-G-A.
Other names: c.3689G>A, p.Arg1230His (NM_001127180.2); c.3656G>A, p.Arg1219His (NM_001369365.1); short protein forms R1230H, R1219H.
Identifiers: ClinVar variation 551875 (VCV000551875.37), dbSNP rs368705036, ClinGen allele CA6198172.